The following is an entry in ClinVar:

NM_000337.6(SGCD):c.314A>C (p.Lys105Thr)

Gene: SGCD (sarcoglycan delta; plus strand). Cytogenetic location: 5q33.3.
Variant type: single nucleotide variant.
Coding change: c.314A>C on transcript NM_000337.6 (MANE Select); coding-DNA position 314, A replaced by C.
Protein change: p.Lys105Thr; replaces lysine 105 with threonine.
Molecular consequence: missense variant.
Genome position (GRCh38, 1-based): chr5:156,589,250, A>C. VCF-style: chr5-156589250-A-C. GRCh37 (hg19) VCF-style: chr5-156016260-A-C.
Other names: c.311A>C, p.Lys104Thr (NM_001128209.2); c.314A>C, p.Lys105Thr (NM_172244.3); short protein forms K105T, K104T.
Identifiers: ClinVar variation 1728157 (VCV001728157.2), dbSNP rs1760622847, ClinGen allele CA362008518.

ClinVar aggregate classification (germline): Uncertain significance (1 of 4 stars; one submission).

Conditions:
Inborn genetic diseases. Identifiers: MedGen C0950123, MeSH D030342.

gnomAD v4.1: 2 of 1,570,254 alleles (0.00013%); highest among the groups gnomAD compares: Non-Finnish European, 0.00017%; no homozygotes.

Submission:

Ambry Genetics
Classification: Uncertain significance for Inborn genetic diseases. Last evaluated: 2021-06-22. Review status: criteria provided, single submitter. Criteria: Ambry Variant Classification Scheme 2023. Collection method: clinical testing. Allele origin: germline.
Comment: The p.K105T variant (also known as c.314A>C), located in coding exon 4 of the SGCD gene, results from an A to C substitution at nucleotide position 314. The lysine at codon 105 is replaced by threonine, an amino acid with similar properties. This amino acid position is conserved. In addition, the in silico prediction for this alteration is inconclusive. Since supporting evidence is limited at this time, the clinical significance of this alteration remains unclear.